The following is an entry in ClinVar:

ClinVar aggregate classification (germline): Uncertain significance. Review status: criteria provided, multiple submitters, no conflicts (2 of 4 stars). 7 submissions from 7 submitters: Uncertain significance (6). 1 of the submissions does not count toward it. Last evaluated 2024-03-01.

Conditions:
Cardiovascular phenotype. Identifiers: MedGen CN230736.
TTN-related disorder. Also called: TTN-related condition; TTN-related disease; TTN-related disorders.
Dilated cardiomyopathy 1G (CMD1G). Identifiers: Orphanet 154, MedGen C1858763, MONDO:0011400, OMIM 604145.
Autosomal recessive limb-girdle muscular dystrophy type 2J (LGMDR10). Also called: Limb-girdle muscular dystrophy, type 2J; MUSCULAR DYSTROPHY, LIMB-GIRDLE, AUTOSOMAL RECESSIVE 10. Identifiers: Orphanet 140922, MedGen C1837342, MONDO:0012127, OMIM 608807.
Cardiomyopathy (CMYO). Also called: Cardiomyopathies. Identifiers: Orphanet 167848, MedGen C0878544, MONDO:0004994, HP:0001638. Inheritance: Various modes of inheritance.
Hypertrophic cardiomyopathy 9. Also called: Familial hypertrophic cardiomyopathy 9. Identifiers: MedGen C1861065, MONDO:0013412, OMIM 613765.
Primary dilated cardiomyopathy (DCM). Also called: Dilated Cardiomyopathy. Identifiers: Orphanet 217604, MedGen C0007193, MeSH D002311, MONDO:0005021, HP:0001644. Inheritance: Various modes of inheritance.

Allele frequency attached by ClinVar (database versions not stated): gnomAD exomes below 0.00001.
gnomAD v4.1: 5 of 1,612,970 alleles (0.00031%); highest among the groups gnomAD compares: Non-Finnish European, 0.00034%; no homozygotes.

Submissions (7):

Molecular Genetics, Royal Melbourne Hospital
Classification: Uncertain significance for Primary dilated cardiomyopathy. Last evaluated: 2024-03-01. Review status: criteria provided, single submitter. Criteria: ACMG Guidelines, 2015. Collection method: clinical testing. Allele origin: germline. Inheritance: Autosomal dominant inheritance.
Comment: This sequence change in TTN is predicted to replace isoleucine with valine at codon 19562, p.(Ile19562Val). The isoleucine residue is highly conserved (100 vertebrates, Multiz Alignments), and is located in constitutively expressed exon 298 (percentage splice in, PSI, 100%) in the A-band (PMID: 25589632). There is a small physicochemical difference between isoleucine and valine. The highest population minor allele frequency in the population database gnomAD v4.0 is 0.0005% (4/761,902 alleles) in the European (non-Finnish) population, which is consistent with dilated cardiomyopathy (DCM). This variant has been reported in at least one individual with DCM (PMID: 31983221). Computational evidence predicts an impact on splicing (SpliceAI) for the nucleotide change, and predicts a benign effect for the missense substitution (REVEL = 0.12). Based on the classification scheme RMH Modified ACMG/AMP Guidelines v1.6.1, this variant is classified as a VARIANT OF UNCERTAIN SIGNIFICANCE. Following criteria are met: PM2_Supporting, PP3.

Genomic Medicine Lab, University of California San Francisco
Classification: Uncertain significance for Hypertrophic cardiomyopathy 9. Last evaluated: 2020-12-10. Review status: criteria provided, single submitter. Criteria: ACMG Guidelines, 2015. Collection method: clinical testing. Allele origin: paternal. Inheritance: Autosomal recessive inheritance. Affected: yes. Study: CSER-P3EGS.

Ambry Genetics
Classification: Uncertain significance for Cardiovascular phenotype. Last evaluated: 2018-09-13. Review status: criteria provided, single submitter. Criteria: Ambry Variant Classification Scheme 2023. Collection method: clinical testing. Allele origin: germline.
Comment: The p.I10497V variant (also known as c.31489A>G), located in coding exon 125 of the TTN gene, results from an A to G substitution at nucleotide position 31489. The isoleucine at codon 10497 is replaced by valine, an amino acid with highly similar properties. This exon is located in the A-band region of the N2-B isoform of the titin protein and is constitutively expressed in TTN transcripts (percent spliced in or PSI 100%). This amino acid position is highly conserved in available vertebrate species. Using the BDGP and ESEfinder splice site prediction tools, this alteration is predicted to create a new alternate splice donor site; however, direct evidence is unavailable. In addition, this alteration is predicted to be tolerated by in silico analysis. Since supporting evidence is limited at this time, the clinical significance of this alteration remains unclear.

Labcorp Genetics (formerly Invitae), Labcorp
Classification: Uncertain significance for Dilated cardiomyopathy 1G; Autosomal recessive limb-girdle muscular dystrophy type 2J. Last evaluated: 2017-10-11. Review status: criteria provided, single submitter. Criteria: Invitae Variant Classification Sherloc (09022015). Collection method: clinical testing. Allele origin: germline.

CHEO Genetics Diagnostic Laboratory, Children's Hospital of Eastern Ontario
Classification: Uncertain significance for Cardiomyopathy. Last evaluated: 2016-02-03. Review status: criteria provided, single submitter. Criteria: ACMG Guidelines, 2015. Collection method: clinical testing. Allele origin: germline. Study: Canadian Open Genetics Repository.

Laboratory for Molecular Medicine, Mass General Brigham Personalized Medicine
Classification: Uncertain significance. Last evaluated: 2015-03-21. Review status: criteria provided, single submitter. Criteria: LMM Criteria. Collection method: clinical testing. Allele origin: germline. Observed: 3 variant alleles.
Comment: It was absent from large population studies. Computational prediction tools and conservation analysis do not provide strong support for or against an impact to the protein. Splicing prediction tools suggest this varian t may lead to the creation of a novel 5' splice site; however, this information is not predictive enough to determine pathogenicity. In summary, the clinical si gnificance of the p.Ile16994Val variant is uncertain.

PreventionGenetics, part of Exact Sciences
Classification: Uncertain significance for TTN-related condition. Last evaluated: 2024-08-20. Review status: no assertion criteria provided. Collection method: clinical testing. Allele origin: germline. Not counted in ClinVar's aggregate classification.
Comment: The TTN c.58684A>G variant is predicted to result in the amino acid substitution p.Ile19562Val. This variant has been reported in the homozygous state as a variant of uncertain significance in an individual with dilated cardiomyopathy who also carried additional variants in MYBPC3 and TTN (Reported as c.50980A>G with NM_133378.4 in Case #299 in Supp. Table 1 in Pugh TJ et al. 2014. PubMed ID: 24503780). In addition, this variant is predicted to create a strong donor splice site signal within the exon and may result in aberrant splicing (SpliceAI, Jaganathan et al. 2019. PubMed ID: 30661751). However, the use of computer prediction programs is not equivalent to functional evidence. To our knowledge, this variant has not been reported in a large population database, indicating this variant is rare. At this time, the clinical significance of this variant is uncertain due to the absence of conclusive functional and genetic evidence.

Literature cited by the submitters: PubMed 25589632 (cited by Molecular Genetics, Royal Melbourne Hospital); PubMed 31983221 (cited by Molecular Genetics, Royal Melbourne Hospital); PubMed 24503780 (cited by Laboratory for Molecular Medicine, Mass General Brigham Personalized Medicine).

NM_001267550.2(TTN):c.58684A>G (p.Ile19562Val)

Genes: TTN (titin; minus strand), TTN-AS1 (TTN antisense RNA 1; plus strand). Cytogenetic location: 2q31.2.
Variant type: single nucleotide variant.
Coding change: c.58684A>G on transcript NM_001267550.2 (MANE Select); coding-DNA position 58684, A replaced by G.
Protein change: p.Ile19562Val; replaces isoleucine 19562 with valine.
Molecular consequence: missense variant.
Genome position (GRCh38, 1-based): chr2:178,593,616, T>C on the plus strand (A>G on the coding strand, the complement: TTN is on the minus strand). VCF-style: chr2-178593616-T-C. GRCh37 (hg19) VCF-style: chr2-179458343-T-C.
Other names: c.31489A>G, p.Ile10497Val (NM_003319.4); c.31864A>G, p.Ile10622Val (NM_133432.3); c.32065A>G, p.Ile10689Val (NM_133437.4); c.53761A>G, p.Ile17921Val (NM_001256850.1); c.50980A>G, p.Ile16994Val (NM_133378.4); short protein forms I19562V, I16994V, I17921V, I10689V, I10497V, I10622V.
Identifiers: ClinVar variation 47138 (VCV000047138.14), dbSNP rs397517637, ClinGen allele CA140099.